The following is an entry in ClinVar:

NM_002335.4(LRP5):c.472T>C (p.Leu158=)

Gene: LRP5 (LDL receptor related protein 5; plus strand). Cytogenetic location: 11q13.2.
Variant type: single nucleotide variant.
Coding change: c.472T>C on transcript NM_002335.4 (MANE Select); coding-DNA position 472, T replaced by C.
Protein change: p.Leu158=; no amino-acid change (leucine 158 retained).
Molecular consequence: synonymous variant. On other transcripts: 5 prime UTR variant (1).
Genome position (GRCh38, 1-based): chr11:68,348,227, T>C. VCF-style: chr11-68348227-T-C. GRCh37 (hg19) VCF-style: chr11-68115695-T-C.
Other names: c.-1294T>C (NM_001291902.2).
Identifiers: ClinVar variation 1944550 (VCV001944550.7), dbSNP rs751450413, ClinGen allele CA6149002.

ClinVar aggregate classification (germline): Likely benign. Review status: criteria provided, multiple submitters, no conflicts (2 of 4 stars). 3 submissions from 3 submitters: Likely benign (3). Last evaluated 2026-08-01.

Allele frequency attached by ClinVar (database versions not stated): TOPMed below 0.00001; gnomAD exomes 0.00001; ExAC 0.00002.
gnomAD v4.1: 7 of 1,607,128 alleles (0.00044%); highest among the groups gnomAD compares: Non-Finnish European, 0.00059%; no homozygotes.

Submissions (3):

CeGaT Center for Human Genetics Tuebingen
Classification: Likely benign. Last evaluated: 2026-08-01. Review status: criteria provided, single submitter. Criteria: CeGaT Center For Human Genetics Tuebingen Variant Classification Criteria Version 2. Collection method: clinical testing. Allele origin: germline. Affected: yes. Observed: 1 variant allele.
Comment: LRP5: BP4, BP7

Blueprint Genetics
Classification: Likely benign. Last evaluated: 2024-10-24. Review status: criteria provided, single submitter. Criteria: ACMG Guidelines, 2015. Collection method: clinical testing. Allele origin: germline.

Labcorp Genetics (formerly Invitae), Labcorp
Classification: Likely benign. Last evaluated: 2022-09-23. Review status: criteria provided, single submitter. Criteria: Invitae Variant Classification Sherloc (09022015). Collection method: clinical testing. Allele origin: germline.